The following is an entry in ClinVar:

NM_000306.4(POU1F1):c.143-4A>T

Gene: POU1F1 (POU class 1 homeobox 1; minus strand). Cytogenetic location: 3p11.2.
Variant type: single nucleotide variant.
Coding change: c.143-4A>T on transcript NM_000306.4 (MANE Select); 4 bases into the intron before coding-DNA position 143, A replaced by T.
Molecular consequence: intron variant. On other transcripts: missense variant (1).
Genome position (GRCh38, 1-based): chr3:87,273,422, T>A on the plus strand (A>T on the coding strand, the complement: POU1F1 is on the minus strand). VCF-style: chr3-87273422-T-A. GRCh37 (hg19) VCF-style: chr3-87322572-T-A.
Other names: c.217A>T, p.Thr73Ser (NM_001122757.3); short protein forms T73S.
Identifiers: ClinVar variation 36694 (VCV000036694.13), dbSNP rs35893626, ClinGen allele CA214187.

ClinVar aggregate classification (germline): Benign/Likely benign. Review status: criteria provided, multiple submitters, no conflicts (2 of 4 stars). 4 submissions from 4 submitters: Benign (3); Likely benign (1). Last evaluated 2026-01-28.

Conditions:
Combined pituitary hormone deficiencies, genetic form. Also called: Pituitary hormone deficiency, combined. Identifiers: Orphanet 95494, MedGen C4273747, MONDO:0013099.

Allele frequency attached by ClinVar (database versions not stated): gnomAD exomes 0.00027 and 0.00077; ExAC 0.00094; gnomAD 0.00290 and 0.00305; TOPMed 0.00294; ESP Exome Variant Server 0.00300; 1000 Genomes Project 30x 0.00359; 1000 Genomes Project 0.00379.
gnomAD v4.1: 865 of 1,612,418 alleles (0.054%); highest among the groups gnomAD compares: African/African-American, 0.99%; 5 homozygotes.

Submissions (4):

Labcorp Genetics (formerly Invitae), Labcorp
Classification: Benign. Last evaluated: 2026-01-28. Review status: criteria provided, single submitter. Criteria: Invitae Variant Classification Sherloc (09022015). Collection method: clinical testing. Allele origin: germline.

Blueprint Genetics
Classification: Likely benign. Last evaluated: 2024-11-13. Review status: criteria provided, single submitter. Criteria: ACMG Guidelines, 2015. Collection method: clinical testing. Allele origin: germline.

Women's Health and Genetics/Laboratory Corporation of America, LabCorp
Classification: Benign for Combined Pituitary Hormone Deficiency. Last evaluated: 2011-08-18. Review status: criteria provided, single submitter. Criteria: LabCorp Variant Classification Summary - May 2015. Collection method: curation, clinical testing. Allele origin: germline. Inheritance: autosomal unknown. Affected: yes.
ClinVar note: Converted during submission from benign to Benign.

Breakthrough Genomics
Classification: Benign. Review status: criteria provided, single submitter. Criteria: ACMG Guidelines, 2015. Collection method: not provided. Allele origin: germline. Inheritance: Autosomal dominant inheritance. Affected: yes.